The following is an entry in ClinVar:

NM_001103.4(ACTN2):c.361+5G>C

Gene: ACTN2 (actinin alpha 2; plus strand). Cytogenetic location: 1q43.
Variant type: single nucleotide variant.
Coding change: c.361+5G>C on transcript NM_001103.4 (MANE Select); 5 bases into the intron after coding-DNA position 361, G replaced by C.
Molecular consequence: intron variant.
Genome position (GRCh38, 1-based): chr1:236,719,018, G>C. VCF-style: chr1-236719018-G-C. GRCh37 (hg19) VCF-style: chr1-236882318-G-C.
Other names: c.-461+5G>C (NM_001278344.2); c.361+5G>C (NM_001278343.2).
Identifiers: ClinVar variation 520331 (VCV000520331.6), dbSNP rs1553300073, ClinGen allele CA658795622.

ClinVar aggregate classification (germline): Uncertain significance (1 of 4 stars; one submission).

Conditions:
Cardiovascular phenotype. Identifiers: MedGen CN230736.

Submission:

Ambry Genetics
Classification: Uncertain significance for Cardiovascular phenotype. Last evaluated: 2026-07-20. Review status: criteria provided, single submitter. Criteria: Ambry Variant Classification Scheme 2023. Collection method: clinical testing. Allele origin: germline.
Comment: The c.361+5G>C intronic variant results from a G to C substitution 5 nucleotides after coding exon 3 in the ACTN2 gene. This nucleotide position is not well conserved in available vertebrate species. In silico splice site analysis predicts that this alteration may weaken the native splice donor site and will result in the creation or strengthening of a novel splice donor site. Based on the available evidence, the clinical significance of this variant remains unclear.